The following is an entry in ClinVar:

NM_022828.5(YTHDC2):c.2617C>A (p.Pro873Thr)

Gene: YTHDC2 (YTH N6-methyladenosine RNA binding protein C2; plus strand). Cytogenetic location: 5q22.2.
Variant type: single nucleotide variant.
Coding change: c.2617C>A on transcript NM_022828.5 (MANE Select); coding-DNA position 2617, C replaced by A.
Protein change: p.Pro873Thr; replaces proline 873 with threonine.
Molecular consequence: missense variant.
Genome position (GRCh38, 1-based): chr5:113,564,033, C>A. VCF-style: chr5-113564033-C-A. GRCh37 (hg19) VCF-style: chr5-112899730-C-A.
Other names: c.2131C>A, p.Pro711Thr (NM_001345975.2); c.1717C>A, p.Pro573Thr (NM_001345976.2); short protein forms P873T, P573T, P711T.
Identifiers: ClinVar variation 161764 (VCV000161764.2), dbSNP rs193921121, ClinGen allele CA174742.

ClinVar aggregate classification (germline): Uncertain significance (0 of 4 stars; one submission).

Conditions:
Prostate cancer. Also called: Malignant tumor of prostate. Identifiers: Orphanet 1331, MedGen C0376358, MONDO:0008315, HP:0012125.

Submission:

Science for Life laboratory,  Karolinska Institutet
Classification: Uncertain significance for Malignant tumor of prostate. Review status: no assertion criteria provided. Collection method: not provided. Allele origin: somatic.
Comment: TumorID:SWE-92A
ClinVar note: Converted during submission from Unknown to Uncertain significance.